The following is an entry in ClinVar:

GRCh38/hg38 11q23.3-25(chr11:120507265-134576266)x1

Genes: MIR100 (microRNA 100; minus strand), MIR100HG (mir-100-let-7a-2-mir-125b-1 cluster host gene; minus strand), MIR10526 (microRNA 10526; minus strand), MIR125B1 (microRNA 125b-1; minus strand), MIR3167 (microRNA 3167; minus strand) and 489 more. Cytogenetic location: 11q23.3-25.
Variant type: copy number loss.
Change: copy number 1 (one copy instead of two) of chr11:120,507,265-134,576,266 (14.07 Mb, GRCh38 coordinates, 1-based), cytogenetic band 11q23.3-25.
Identifiers: ClinVar variation 58924 (VCV000058924.1).

ClinVar aggregate classification (germline): Pathogenic (1 of 4 stars; one submission).

Submission:

ISCA site 15
Classification: Pathogenic. Last evaluated: 2011-08-12. Review status: criteria provided, single submitter. Criteria: Kaminsky et al. (Genet Med. 2011). Collection method: clinical testing. Allele origin: unknown. Affected: yes. Observed: 1 variant allele.
Comment: Copy number variation identified through the course of routine clinical cytogenomic testing in postnatal populations. Clinical assertions have been curated as described in Kaminsky et al. 2011.